The following is an entry in ClinVar:

NM_000071.3(CBS):c.920G>A (p.Gly307Asp)

Gene: CBS (cystathionine beta-synthase; minus strand). Cytogenetic location: 21q22.3.
Variant type: single nucleotide variant.
Coding change: c.920G>A on transcript NM_000071.3 (MANE Select); coding-DNA position 920, G replaced by A.
Protein change: p.Gly307Asp; replaces glycine 307 with aspartic acid.
Molecular consequence: missense variant.
Genome position (GRCh38, 1-based): chr21:43,062,987, C>T on the plus strand (G>A on the coding strand, the complement: CBS is on the minus strand). VCF-style: chr21-43062987-C-T. GRCh37 (hg19) VCF-style: chr21-44483097-C-T.
Other names: c.920G>A, p.Gly307Asp (NM_001178008.3, NM_001178009.3, NM_001320298.2); c.605G>A, p.Gly202Asp (NM_001321072.1); short protein forms G202D, G307D.
Identifiers: ClinVar variation 2993386 (VCV002993386.3), dbSNP rs2517428448, ClinGen allele CA410600002.

ClinVar aggregate classification (germline): Likely pathogenic (1 of 4 stars; one submission).

Conditions:
HYPERHOMOCYSTEINEMIA, THROMBOTIC, CBS-RELATED. Identifiers: MedGen C3150344, OMIM 236200.

Submission:

Labcorp Genetics (formerly Invitae), Labcorp
Classification: Likely pathogenic for HYPERHOMOCYSTEINEMIA, THROMBOTIC, CBS-RELATED. Last evaluated: 2023-09-08. Review status: criteria provided, single submitter. Criteria: Invitae Variant Classification Sherloc (09022015). Collection method: clinical testing. Allele origin: germline.
Comment: In summary, the currently available evidence indicates that the variant is pathogenic, but additional data are needed to prove that conclusively. Therefore, this variant has been classified as Likely Pathogenic. This variant disrupts the p.Gly307 amino acid residue in CBS. Other variant(s) that disrupt this residue have been determined to be pathogenic (PMID: 7506602, 7581402, 8744616, 9889017, 23733603). This suggests that this residue is clinically significant, and that variants that disrupt this residue are likely to be disease-causing. Advanced modeling of protein sequence and biophysical properties (such as structural, functional, and spatial information, amino acid conservation, physicochemical variation, residue mobility, and thermodynamic stability) performed at Invitae indicates that this missense variant is expected to disrupt CBS protein function. This variant has not been reported in the literature in individuals affected with CBS-related conditions. This variant is not present in population databases (gnomAD no frequency). This sequence change replaces glycine, which is neutral and non-polar, with aspartic acid, which is acidic and polar, at codon 307 of the CBS protein (p.Gly307Asp).

Literature cited by the submitters: PubMed 7506602; PubMed 7581402; PubMed 8744616; PubMed 9889017; PubMed 23733603.